The following is an entry in ClinVar:

ClinVar aggregate classification (germline): Uncertain significance. Review status: criteria provided, multiple submitters, no conflicts (2 of 4 stars). 2 submissions from 2 submitters: Uncertain significance (2). Last evaluated 2022-12-09.

Conditions:
DICER1-related tumor predisposition. Also called: DICER1-related pleuropulmonary blastoma cancer predisposition syndrome; DICER1 syndrome. Identifiers: Orphanet 284343, MedGen C3839822, MONDO:0100216.
Hereditary cancer-predisposing syndrome. Also called: Tumor predisposition; Hereditary neoplastic syndrome; Neoplastic Syndromes, Hereditary; Hereditary Cancer Syndrome. Identifiers: Orphanet 140162, MedGen C0027672, MeSH D009386, MONDO:0015356.

Submissions (2):

Labcorp Genetics (formerly Invitae), Labcorp
Classification: Uncertain significance for DICER1-related tumor predisposition. Last evaluated: 2022-12-09. Review status: criteria provided, single submitter. Criteria: Invitae Variant Classification Sherloc (09022015). Collection method: clinical testing. Allele origin: germline.
Comment: This sequence change replaces arginine, which is basic and polar, with glycine, which is neutral and non-polar, at codon 1607 of the DICER1 protein (p.Arg1607Gly). In summary, the available evidence is currently insufficient to determine the role of this variant in disease. Therefore, it has been classified as a Variant of Uncertain Significance. Algorithms developed to predict the effect of missense changes on protein structure and function output the following: SIFT: "Tolerated"; PolyPhen-2: "Benign"; Align-GVGD: "Class C0". The glycine amino acid residue is found in multiple mammalian species, which suggests that this missense change does not adversely affect protein function. ClinVar contains an entry for this variant (Variation ID: 934284). This variant has not been reported in the literature in individuals affected with DICER1-related conditions. This variant is not present in population databases (gnomAD no frequency).

Ambry Genetics
Classification: Uncertain significance for Hereditary cancer-predisposing syndrome. Last evaluated: 2021-04-22. Review status: criteria provided, single submitter. Criteria: Ambry Variant Classification Scheme 2023. Collection method: clinical testing. Allele origin: germline.
Comment: The p.R1607G variant (also known as c.4819C>G), located in coding exon 22 of the DICER1 gene, results from a C to G substitution at nucleotide position 4819. The arginine at codon 1607 is replaced by glycine, an amino acid with dissimilar properties. This amino acid position is not well conserved in available vertebrate species. In addition, this alteration is predicted to be tolerated by in silico analysis. Since supporting evidence is limited at this time, the clinical significance of this alteration remains unclear.

NM_177438.3(DICER1):c.4819C>G (p.Arg1607Gly)

Gene: DICER1 (dicer 1, ribonuclease III; minus strand). Cytogenetic location: 14q32.13.
Variant type: single nucleotide variant.
Coding change: c.4819C>G on transcript NM_177438.3 (MANE Select); coding-DNA position 4819, C replaced by G.
Protein change: p.Arg1607Gly; replaces arginine 1607 with glycine.
Molecular consequence: missense variant.
Genome position (GRCh38, 1-based): chr14:95,096,101, G>C on the plus strand (C>G on the coding strand, the complement: DICER1 is on the minus strand). VCF-style: chr14-95096101-G-C. GRCh37 (hg19) VCF-style: chr14-95562438-G-C.
Other names: c.4819C>G, p.Arg1607Gly (NM_001195573.1, NM_001271282.3, NM_001291628.2 and 1 more transcripts); short protein forms R1607G.
Identifiers: ClinVar variation 934284 (VCV000934284.12), dbSNP rs189119295, ClinGen allele CA390866979.